The following is an entry in ClinVar:

ClinVar aggregate classification (germline): Likely benign. Review status: criteria provided, multiple submitters, no conflicts (2 of 4 stars). 4 submissions from 4 submitters: Likely benign (4). Last evaluated 2026-05-04.

Conditions:
Autosomal recessive distal spinal muscular atrophy 1. Also called: NEURONOPATHY, DISTAL HEREDITARY MOTOR, HARDING TYPE VI; NEUROPATHY, DISTAL HEREDITARY MOTOR, AUTOSOMAL RECESSIVE 1; SEVERE INFANTILE AXONAL NEUROPATHY WITH RESPIRATORY FAILURE; SPINAL MUSCULAR ATROPHY, DIAPHRAGMATIC; Spinal muscular atrophy with respiratory distress 1; HMN VI. Identifiers: Orphanet 98920, MedGen C1858517, MONDO:0011436, OMIM 604320.
Charcot-Marie-Tooth disease axonal type 2S. Also called: CHARCOT-MARIE-TOOTH DISEASE, AXONAL, AUTOSOMAL RECESSIVE, TYPE 2S; CHARCOT-MARIE-TOOTH NEUROPATHY, TYPE 2S. Identifiers: Orphanet 443073, MedGen C4015349, MONDO:0014511, OMIM 616155.
IGHMBP2-related disorder. Also called: IGHMBP2-related condition; IGHMBP2-related disorders.

Allele frequency attached by ClinVar (database versions not stated): gnomAD exomes 0.00002 and 0.00004; ExAC 0.00004; TOPMed 0.00005; gnomAD 0.00007 and 0.00008.
gnomAD v4.1: 65 of 1,613,430 alleles (0.004%); highest among the groups gnomAD compares: Non-Finnish European, 0.0047%; no homozygotes.

Submissions (4):

PreventionGenetics, part of Exact Sciences
Classification: Likely benign for IGHMBP2-related condition. Last evaluated: 2026-05-04. Review status: criteria provided, single submitter. Criteria: ACMG Guidelines, 2015. Collection method: clinical testing. Allele origin: germline.
Comment: This variant is classified as likely benign based on ACMG/AMP sequence variant interpretation guidelines (Richards et al. 2015 PMID: 25741868, with internal and published modifications).

Labcorp Genetics (formerly Invitae), Labcorp
Classification: Likely benign for Autosomal recessive distal spinal muscular atrophy 1; Charcot-Marie-Tooth disease axonal type 2S. Last evaluated: 2025-12-31. Review status: criteria provided, single submitter. Criteria: Invitae Variant Classification Sherloc (09022015). Collection method: clinical testing. Allele origin: germline.

CeGaT Center for Human Genetics Tuebingen
Classification: Likely benign. Last evaluated: 2024-11-01. Review status: criteria provided, single submitter. Criteria: CeGaT Center For Human Genetics Tuebingen Variant Classification Criteria Version 2. Collection method: clinical testing. Allele origin: germline. Affected: yes. Observed: 2 variant alleles.
Comment: IGHMBP2: BP4, BP7

GeneDx
Classification: Likely benign. Last evaluated: 2018-10-15. Review status: criteria provided, single submitter. Criteria: GeneDx Variant Classification Process June 2021. Collection method: clinical testing. Allele origin: germline. Affected: yes.

NM_002180.3(IGHMBP2):c.2874C>T (p.Asn958=)

Gene: IGHMBP2 (immunoglobulin mu DNA binding protein 2; plus strand). Cytogenetic location: 11q13.3.
Variant type: single nucleotide variant.
Coding change: c.2874C>T on transcript NM_002180.3 (MANE Select); coding-DNA position 2874, C replaced by T.
Protein change: p.Asn958=; no amino-acid change (asparagine 958 retained).
Molecular consequence: synonymous variant.
Genome position (GRCh38, 1-based): chr11:68,939,623, C>T. VCF-style: chr11-68939623-C-T. GRCh37 (hg19) VCF-style: chr11-68707091-C-T.
Identifiers: ClinVar variation 715107 (VCV000715107.47), dbSNP rs779753312, ClinGen allele CA6154051.